The following is an entry in ClinVar:

ClinVar aggregate classification (germline): Uncertain significance. Review status: criteria provided, multiple submitters, no conflicts (2 of 4 stars). 2 submissions from 2 submitters: Uncertain significance (2). Last evaluated 2023-10-09.

Conditions:
Congenital myasthenic syndrome 19. Identifiers: Orphanet 590, MedGen C4225235, MONDO:0014745, OMIM 616720.

gnomAD v4.1: 27 of 1,613,372 alleles (0.0017%); highest among the groups gnomAD compares: Middle Eastern, 0.017%; no homozygotes.

Submissions (2):

Revvity Omics, Revvity
Classification: Uncertain significance for Congenital myasthenic syndrome 19. Last evaluated: 2023-10-09. Review status: criteria provided, single submitter. Criteria: ACMG Guidelines, 2015. Collection method: clinical testing. Allele origin: germline.

Labcorp Genetics (formerly Invitae), Labcorp
Classification: Uncertain significance. Last evaluated: 2022-11-08. Review status: criteria provided, single submitter. Criteria: Invitae Variant Classification Sherloc (09022015). Collection method: clinical testing. Allele origin: germline.
Comment: ClinVar contains an entry for this variant (Variation ID: 1496879). This sequence change replaces arginine, which is basic and polar, with histidine, which is basic and polar, at codon 74 of the COL13A1 protein (p.Arg74His). This variant is present in population databases (rs375168437, gnomAD 0.006%). This variant has not been reported in the literature in individuals affected with COL13A1-related conditions. Algorithms developed to predict the effect of missense changes on protein structure and function are either unavailable or do not agree on the potential impact of this missense change (SIFT: "Deleterious"; PolyPhen-2: "Probably Damaging"; Align-GVGD: "Class C0"). In summary, the available evidence is currently insufficient to determine the role of this variant in disease. Therefore, it has been classified as a Variant of Uncertain Significance.

NM_001368882.1(COL13A1):c.221G>A (p.Arg74His)

Gene: COL13A1 (collagen type XIII alpha 1 chain; plus strand). Cytogenetic location: 10q22.1.
Variant type: single nucleotide variant.
Coding change: c.221G>A on transcript NM_001368882.1 (MANE Select); coding-DNA position 221, G replaced by A.
Protein change: p.Arg74His; replaces arginine 74 with histidine.
Molecular consequence: missense variant. On other transcripts: 5 prime UTR variant (1).
Genome position (GRCh38, 1-based): chr10:69,802,644, G>A. VCF-style: chr10-69802644-G-A. GRCh37 (hg19) VCF-style: chr10-71562400-G-A.
Other names: c.221G>A, p.Arg74His (NM_001368898.1, NM_080798.4, NM_080800.4 and 11 more transcripts); c.-433G>A (NM_001368886.1); short protein forms R74H.
Identifiers: ClinVar variation 1496879 (VCV001496879.6), dbSNP rs375168437, ClinGen allele CA5534002.